The following is an entry in ClinVar:

NM_000093.5(COL5A1):c.5432C>T (p.Pro1811Leu)

Genes: COL5A1 (collagen type V alpha 1 chain; plus strand), LOC101448202 (uncharacterized LOC101448202; minus strand). Cytogenetic location: 9q34.3.
Variant type: single nucleotide variant.
Coding change: c.5432C>T on transcript NM_000093.5 (MANE Select); coding-DNA position 5432, C replaced by T.
Protein change: p.Pro1811Leu; replaces proline 1811 with leucine.
Molecular consequence: missense variant.
Genome position (GRCh38, 1-based): chr9:134,842,218, C>T. VCF-style: chr9-134842218-C-T. GRCh37 (hg19) VCF-style: chr9-137734064-C-T.
Other names: c.5432C>T, p.Pro1811Leu (NM_001278074.1); short protein forms P1811L.
Identifiers: ClinVar variation 519660 (VCV000519660.18), dbSNP rs1554727362, ClinGen allele CA375461901.

ClinVar aggregate classification (germline): Uncertain significance. Review status: criteria provided, multiple submitters, no conflicts (2 of 4 stars). 3 submissions from 3 submitters: Uncertain significance (3). Last evaluated 2019-11-08.

Conditions:
Familial thoracic aortic aneurysm and aortic dissection (TAAD). Also called: Thoracic aortic aneurysms and dissections. Identifiers: Orphanet 91387, MedGen C4707243, MONDO:0019625.
Ehlers-Danlos syndrome, classic type, 1 (EDSCL1). Also called: Ehlers-Danlos Syndrome, Classic Type, COL5A1-Related; EDS I; Ehlers-Danlos syndrome, type 1; EHLERS-DANLOS SYNDROME, GRAVIS TYPE; EHLERS-DANLOS SYNDROME, SEVERE CLASSIC TYPE. Identifiers: MedGen C0268335, MONDO:0019567, OMIM 130000.

Submissions (3):

Labcorp Genetics (formerly Invitae), Labcorp
Classification: Uncertain significance for Ehlers-Danlos syndrome, classic type, 1. Last evaluated: 2019-11-08. Review status: criteria provided, single submitter. Criteria: Invitae Variant Classification Sherloc (09022015). Collection method: clinical testing. Allele origin: germline.
Comment: This sequence change replaces proline with leucine at codon 1811 of the COL5A1 protein (p.Pro1811Leu). The proline residue is highly conserved and there is a moderate physicochemical difference between proline and leucine. This variant is not present in population databases (ExAC no frequency). This variant has not been reported in the literature in individuals with COL5A1-related disease. Algorithms developed to predict the effect of missense changes on protein structure and function do not agree on the potential impact of this missense change (SIFT: "Deleterious"; PolyPhen-2: "Probably Damaging"; Align-GVGD: "Class C0"). In summary, the available evidence is currently insufficient to determine the role of this variant in disease. Therefore, it has been classified as a Variant of Uncertain Significance.

GeneDx
Classification: Uncertain significance. Last evaluated: 2019-11-01. Review status: criteria provided, single submitter. Criteria: GeneDx Variant Classification Process June 2021. Collection method: clinical testing. Allele origin: germline. Affected: yes.
Comment: Has not been previously published as pathogenic or benign to our knowledge; Not observed in large population cohorts (Lek et al., 2016); In silico analysis, which includes protein predictors and evolutionary conservation, supports a deleterious effect; Not located in the triple helical region, where the majority of pathogenic missense variants occur (Stenson et al., 2014)

Ambry Genetics
Classification: Uncertain significance for Familial thoracic aortic aneurysm and aortic dissection. Last evaluated: 2017-12-12. Review status: criteria provided, single submitter. Criteria: Ambry Variant Classification Scheme 2023. Collection method: clinical testing. Allele origin: germline.
Comment: The p.P1811L variant (also known as c.5432C>T), located in coding exon 66 of the COL5A1 gene, results from a C to T substitution at nucleotide position 5432. The proline at codon 1811 is replaced by leucine, an amino acid with similar properties. This amino acid position is highly conserved in available vertebrate species. In addition, this alteration is predicted to be deleterious by in silico analysis. Since supporting evidence is limited at this time, the clinical significance of this alteration remains unclear.